The following is an entry in ClinVar:

ClinVar aggregate classification (germline): Likely benign. Review status: criteria provided, multiple submitters, no conflicts (2 of 4 stars). 4 submissions from 4 submitters: Likely benign (4). Last evaluated 2025-08-18.

Allele frequency attached by ClinVar (database versions not stated): 1000 Genomes Project 30x 0.00234; 1000 Genomes Project 0.00260; gnomAD 0.00532 and 0.00554; ExAC 0.00553; gnomAD exomes 0.00560 and 0.00701; TOPMed 0.00596; ESP Exome Variant Server 0.00684.
gnomAD v4.1: 11,135 of 1,614,192 alleles (0.69%); highest among the groups gnomAD compares: Middle Eastern, 1.5%; 63 homozygotes.

Submissions (4):

Genomic Medicine Center of Excellence, King Faisal Specialist Hospital and Research Centre
Classification: Likely benign. Last evaluated: 2025-08-18. Review status: criteria provided, single submitter. Criteria: ACMG Guidelines, 2015. Collection method: clinical testing. Allele origin: germline.

CeGaT Center for Human Genetics Tuebingen
Classification: Likely benign. Last evaluated: 2022-12-01. Review status: criteria provided, single submitter. Criteria: CeGaT Center For Human Genetics Tuebingen Variant Classification Criteria Version 2. Collection method: clinical testing. Allele origin: germline. Affected: yes. Observed: 1 variant allele.
Comment: GSTM5: BP4, BS2

Labcorp Genetics (formerly Invitae), Labcorp
Classification: Likely benign. Last evaluated: 2018-05-02. Review status: criteria provided, single submitter. Criteria: Invitae Variant Classification Sherloc (09022015). Collection method: clinical testing. Allele origin: germline.

Breakthrough Genomics
Classification: Likely benign. Review status: criteria provided, single submitter. Criteria: ACMG Guidelines, 2015. Collection method: not provided. Allele origin: germline. Inheritance: Unknown mechanism. Affected: yes.

NM_000851.4(GSTM5):c.559C>T (p.Arg187Cys)

Gene: GSTM5 (glutathione S-transferase mu 5; plus strand). Cytogenetic location: 1p13.3.
Variant type: single nucleotide variant.
Coding change: c.559C>T on transcript NM_000851.4 (MANE Select); coding-DNA position 559, C replaced by T.
Protein change: p.Arg187Cys; replaces arginine 187 with cysteine.
Molecular consequence: missense variant.
Genome position (GRCh38, 1-based): chr1:109,715,232, C>T. VCF-style: chr1-109715232-C-T. GRCh37 (hg19) VCF-style: chr1-110257854-C-T.
Other names: short protein forms R187C.
Identifiers: ClinVar variation 708302 (VCV000708302.29), dbSNP rs150417585, ClinGen allele CA994729.